The following is an entry in ClinVar:

ClinVar aggregate classification (germline): Likely benign (0 of 4 stars; one submission).

Conditions:
AFF4-related disorder. Also called: AFF4-related condition.

gnomAD v4.1: 21 of 1,613,292 alleles (0.0013%); highest among the groups gnomAD compares: African/African-American, 0.0027%; no homozygotes.

Submission:

PreventionGenetics, part of Exact Sciences
Classification: Likely benign for AFF4-related condition. Last evaluated: 2023-04-21. Review status: no assertion criteria provided. Collection method: clinical testing. Allele origin: germline.
Comment: This variant is classified as likely benign based on ACMG/AMP sequence variant interpretation guidelines (Richards et al. 2015 PMID: 25741868, with internal and published modifications).

NM_014423.4(AFF4):c.2946G>A (p.Lys982=)

Gene: AFF4 (ALF transcription elongation factor 4; minus strand). Cytogenetic location: 5q31.1.
Variant type: single nucleotide variant.
Coding change: c.2946G>A on transcript NM_014423.4 (MANE Select); coding-DNA position 2946, G replaced by A.
Protein change: p.Lys982=; no amino-acid change (lysine 982 retained).
Molecular consequence: synonymous variant.
Genome position (GRCh38, 1-based): chr5:132,887,580, C>T on the plus strand (G>A on the coding strand, the complement: AFF4 is on the minus strand). VCF-style: chr5-132887580-C-T. GRCh37 (hg19) VCF-style: chr5-132223272-C-T.
Identifiers: ClinVar variation 3355780 (VCV003355780.1).